The following is an entry in ClinVar:

ClinVar aggregate classification (germline): Uncertain significance. Review status: criteria provided, multiple submitters, no conflicts (2 of 4 stars). 2 submissions from 2 submitters: Uncertain significance (2). Last evaluated 2026-07-07.

Conditions:
Hereditary cancer-predisposing syndrome. Also called: Tumor predisposition; Neoplastic Syndromes, Hereditary; Hereditary Cancer Syndrome; Hereditary neoplastic syndrome. Identifiers: Orphanet 140162, MedGen C0027672, MeSH D009386, MONDO:0015356.
Gorlin syndrome. Also called: Basal cell nevus syndrome; Nevoid Basal Cell Carcinoma Syndrome. Identifiers: Orphanet 377, MedGen C0004779, MONDO:0007187.

Submissions (2):

Ambry Genetics
Classification: Uncertain significance for Hereditary cancer-predisposing syndrome. Last evaluated: 2026-07-07. Review status: criteria provided, single submitter. Criteria: Ambry Variant Classification Scheme 2023. Collection method: clinical testing. Allele origin: germline.
Comment: The p.S1176C variant (also known as c.3527C>G), located in coding exon 21 of the PTCH1 gene, results from a C to G substitution at nucleotide position 3527. The serine at codon 1176 is replaced by cysteine, an amino acid with dissimilar properties. This amino acid position is highly conserved in available vertebrate species. In addition, this alteration is predicted to be deleterious by in silico analysis. Based on the available evidence, the clinical significance of this variant remains unclear.

Labcorp Genetics (formerly Invitae), Labcorp
Classification: Uncertain significance for Gorlin syndrome. Last evaluated: 2015-07-19. Review status: criteria provided, single submitter. Criteria: Invitae Variant Classification Sherloc (09022015). Collection method: clinical testing. Allele origin: germline.
Comment: In summary, this is a novel missense change with uncertain impact on protein function. It has been classified as a Variant of Uncertain Significance. Algorithms developed to predict the effect of missense changes on protein structure and function (SIFT, PolyPhen-2, Align-GVGD) all suggest that this variant is likely to be disruptive, but these predictions have not been confirmed by published functional studies. This variant is not present in population databases and has not been published in the literature. This sequence change replaces serine with cysteine at codon 1176 of the PTCH1 protein (p.Ser1176Cys). The serine residue is highly conserved and there is a moderate physicochemical difference between serine and cysteine.

NM_000264.5(PTCH1):c.3527C>G (p.Ser1176Cys)

Gene: PTCH1 (patched 1; minus strand). Cytogenetic location: 9q22.32.
Variant type: single nucleotide variant.
Coding change: c.3527C>G on transcript NM_000264.5 (MANE Select); coding-DNA position 3527, C replaced by G.
Protein change: p.Ser1176Cys; replaces serine 1176 with cysteine.
Molecular consequence: missense variant. On other transcripts: non-coding transcript variant (1).
Genome position (GRCh38, 1-based): chr9:95,449,863, G>C on the plus strand (C>G on the coding strand, the complement: PTCH1 is on the minus strand). VCF-style: chr9-95449863-G-C. GRCh37 (hg19) VCF-style: chr9-98212145-G-C.
Other names: c.3329C>G, p.Ser1110Cys (NM_001083602.3); c.3524C>G, p.Ser1175Cys (NM_001083603.3); c.3074C>G, p.Ser1025Cys (NM_001083604.3, NM_001083605.3, NM_001083606.3 and 1 more transcripts); c.3371C>G, p.Ser1124Cys (NM_001354918.2); short protein forms S1110C, S1176C, S1124C, S1025C, S1175C.
Identifiers: ClinVar variation 219568 (VCV000219568.10), dbSNP rs864622160, ClinGen allele CA350534.